The following is an entry in ClinVar:

NM_001394062.1(MACF1):c.4033T>C (p.Tyr1345His)

Gene: MACF1 (microtubule actin crosslinking factor 1; plus strand). Cytogenetic location: 1p34.3.
Variant type: single nucleotide variant.
Coding change: c.4033T>C on transcript NM_001394062.1 (MANE Select); coding-DNA position 4033, T replaced by C.
Protein change: p.Tyr1345His; replaces tyrosine 1345 with histidine.
Molecular consequence: missense variant.
Genome position (GRCh38, 1-based): chr1:39,322,611, T>C. VCF-style: chr1-39322611-T-C. GRCh37 (hg19) VCF-style: chr1-39788283-T-C.
Other names: c.4048T>C, p.Tyr1350His (NM_012090.5); short protein forms Y1350H, Y1345H.
Identifiers: ClinVar variation 5001776 (VCV005001776.1).

ClinVar aggregate classification (germline): Uncertain significance (1 of 4 stars; one submission).

Conditions:
MACF1-related disorder. Also called: MACF1-related condition.

gnomAD v4.1: 1 of 1,612,142 alleles (0.000062%); highest among the groups gnomAD compares: East Asian, 0.0022%; no homozygotes.

Submission:

PreventionGenetics, part of Exact Sciences
Classification: Uncertain significance for MACF1-related condition. Last evaluated: 2025-08-04. Review status: criteria provided, single submitter. Criteria: ACMG Guidelines, 2015. Collection method: clinical testing. Allele origin: germline.
Comment: The MACF1 c.4048T>C variant is predicted to result in the amino acid substitution p.Tyr1350His. To our knowledge, this variant has not been reported in the literature or in a large population database (gnomAD), indicating this variant is rare. At this time, the clinical significance of this variant is uncertain due to the absence of conclusive functional and genetic evidence.